The following is an entry in ClinVar:

NM_002566.5(P2RY11):c.959_963del (p.Leu320fs)

Genes: P2RY11 (purinergic receptor P2Y11; plus strand), PPAN-P2RY11 (PPAN-P2RY11 readthrough; plus strand). Cytogenetic location: 19p13.2.
Variant type: Microsatellite.
Coding change: c.959_963del on transcript NM_002566.5 (MANE Select); coding-DNA positions 959 to 963, 5 bases deleted (TCTAC; older notation c.959_963delTCTAC).
Protein change: p.Leu320fs; shifts the reading frame from leucine 320.
Molecular consequence: frameshift variant. On other transcripts: 3 prime UTR variant (1).
Genome position (GRCh38, 1-based): chr19:10,114,572-10,114,576, TCTAC deleted; deleting any 5 consecutive bases within chr19:10,114,566-10,114,576 gives the same sequence; the c. name uses the placement nearest the transcript's 3' end. VCF-style (leftmost placement, unchanged base first): chr19-10114565-CCTCTA-C. GRCh37 (hg19) VCF-style: chr19-10225241-CCTCTA-C.
Other names: c.2219_2223del, p.Leu740fs (NM_001040664.3); c.*713TCTAC[1] (NM_001198690.2); short protein forms L320fs, L740fs.
Identifiers: ClinVar variation 4872479 (VCV004872479.2).
Genomic context (GRCh38, chr19:10,114,565, plus strand): 5'-GGGCCCTACGTGGGCTACCAGGTGATGCGGGGCCTCATGCCCCTGGCCTTCTGTGTCCAC[CCTCTA>C]CTCTACATGGCCGCAGTGCCCAGCCTGGGCTGCTGCTGCCGACACTGCCCCGGCTACAGG-3'

ClinVar aggregate classification (germline): Likely benign (1 of 4 stars; one submission).

Submission:

CeGaT Center for Human Genetics Tuebingen
Classification: Likely benign. Last evaluated: 2026-06-01. Review status: criteria provided, single submitter. Criteria: CeGaT Center For Human Genetics Tuebingen Variant Classification Criteria Version 2. Collection method: clinical testing. Allele origin: germline. Affected: yes. Observed: 1 variant allele.
Comment: PPAN-P2RY11: BS2; P2RY11: BS2